The following is an entry in ClinVar:

NM_005188.4(CBL):c.127C>A (p.Leu43Ile)

Genes: CBL (Cbl proto-oncogene; plus strand), LOC130006895 (ATAC-STARR-seq lymphoblastoid silent region 3975; plus strand). Cytogenetic location: 11q23.3.
Variant type: single nucleotide variant.
Coding change: c.127C>A on transcript NM_005188.4 (MANE Select); coding-DNA position 127, C replaced by A.
Protein change: p.Leu43Ile; replaces leucine 43 with isoleucine.
Molecular consequence: missense variant.
Genome position (GRCh38, 1-based): chr11:119,206,544, C>A. VCF-style: chr11-119206544-C-A. GRCh37 (hg19) VCF-style: chr11-119077254-C-A.
Other names: short protein forms L43I.
Identifiers: ClinVar variation 1520470 (VCV001520470.6), dbSNP rs1358704061, ClinGen allele CA382976306.
Genomic context (GRCh38, chr11:119,206,544, plus strand): 5'-GGTGGCCTGATTGGGCTCATGAAGGACGCCTTCCAGCCGCACCACCACCACCACCACCAC[C>A]TCAGCCCCCACCCGCCGGGGACGGTGGACAAGAAGATGGTGGAGAAGTGCTGGAAGCTCA-3'
Protein context (NP_005179.2, residues 33-53): FQPHHHHHHH[Leu43Ile]SPHPPGTVDK

ClinVar aggregate classification (germline): Uncertain significance (1 of 4 stars; one submission).

Conditions:
RASopathy. Also called: Noonan spectrum disorder; rasopathies. Identifiers: Orphanet 536391, MedGen C5555857, MONDO:0021060.

Submission:

Labcorp Genetics (formerly Invitae), Labcorp
Classification: Uncertain significance for RASopathy. Last evaluated: 2022-05-13. Review status: criteria provided, single submitter. Criteria: Invitae Variant Classification Sherloc (09022015). Collection method: clinical testing. Allele origin: germline.
Comment: This sequence change replaces leucine, which is neutral and non-polar, with isoleucine, which is neutral and non-polar, at codon 43 of the CBL protein (p.Leu43Ile). In summary, the available evidence is currently insufficient to determine the role of this variant in disease. Therefore, it has been classified as a Variant of Uncertain Significance. Advanced modeling of protein sequence and biophysical properties (such as structural, functional, and spatial information, amino acid conservation, physicochemical variation, residue mobility, and thermodynamic stability) performed at Invitae indicates that this missense variant is not expected to disrupt CBL protein function. This variant has not been reported in the literature in individuals affected with CBL-related conditions. This variant is not present in population databases (gnomAD no frequency).